The following is an entry in ClinVar:

NM_005045.4(RELN):c.803T>C (p.Ile268Thr)

Gene: RELN (reelin; minus strand). Cytogenetic location: 7q22.1.
Variant type: single nucleotide variant.
Coding change: c.803T>C on transcript NM_005045.4 (MANE Select); coding-DNA position 803, T replaced by C.
Protein change: p.Ile268Thr; replaces isoleucine 268 with threonine.
Molecular consequence: missense variant.
Genome position (GRCh38, 1-based): chr7:103,723,142, A>G on the plus strand (T>C on the coding strand, the complement: RELN is on the minus strand). VCF-style: chr7-103723142-A-G. GRCh37 (hg19) VCF-style: chr7-103363589-A-G.
Other names: c.803T>C, p.Ile268Thr (NM_173054.3); short protein forms I268T.
Identifiers: ClinVar variation 3752345 (VCV003752345.2).
Genomic context (GRCh38, chr7:103,723,142, plus strand): 5'-CTATGTTTAAAGCAAACATTTCCAAATTAAATCGTTATAACTGCTAAAAAACACTTACCA[A>G]TGGAAAATTGGAGGACAGAAGCTGTTGTTGTATTAAGGCCTGTGGTAATCTAAAGAAAAA-3'
Protein context (NP_005036.2, residues 258-278): TTTASVLQFS[Ile268Thr]GSGSCRFSYS

ClinVar aggregate classification (germline): Uncertain significance (1 of 4 stars; one submission).

Conditions:
Familial temporal lobe epilepsy 7. Identifiers: Orphanet 101046, MedGen C4225327, MONDO:0014639, OMIM 616436.
Norman-Roberts syndrome (LIS2). Also called: Lissencephaly 2 (Norman-Roberts type). Identifiers: Orphanet 89844, MedGen C0796089, MONDO:0009760, OMIM 257320.

gnomAD v4.1: 2 of 1,588,814 alleles (0.00013%); highest among the groups gnomAD compares: South Asian, 0.0011%; no homozygotes.

Submission:

Labcorp Genetics (formerly Invitae), Labcorp
Classification: Uncertain significance for Familial temporal lobe epilepsy 7; Norman-Roberts syndrome. Last evaluated: 2024-11-18. Review status: criteria provided, single submitter. Criteria: Invitae Variant Classification Sherloc (09022015). Collection method: clinical testing. Allele origin: germline.
Comment: This sequence change replaces isoleucine, which is neutral and non-polar, with threonine, which is neutral and polar, at codon 268 of the RELN protein (p.Ile268Thr). This variant is not present in population databases (gnomAD no frequency). This variant has not been reported in the literature in individuals affected with RELN-related conditions. An algorithm developed to predict the effect of missense changes on protein structure and function (PolyPhen-2) suggests that this variant is likely to be tolerated. In summary, the available evidence is currently insufficient to determine the role of this variant in disease. Therefore, it has been classified as a Variant of Uncertain Significance.